The following is an entry in ClinVar:

ClinVar aggregate classification (germline): Uncertain significance. Review status: criteria provided, multiple submitters, no conflicts (2 of 4 stars). 2 submissions from 2 submitters: Uncertain significance (2). Last evaluated 2023-08-29.

Conditions:
Inborn genetic diseases. Identifiers: MedGen C0950123, MeSH D030342.

Allele frequency attached by ClinVar (database versions not stated): gnomAD 0.00001; ExAC 0.00002; gnomAD exomes 0.00002; TOPMed 0.00002.
gnomAD v4.1: 13 of 1,614,144 alleles (0.00081%); highest among the groups gnomAD compares: Admixed American, 0.018%; no homozygotes.

Submissions (2):

Ambry Genetics
Classification: Uncertain significance for Inborn genetic diseases. Last evaluated: 2023-08-29. Review status: criteria provided, single submitter. Criteria: Ambry Variant Classification Scheme 2023. Collection method: clinical testing. Allele origin: germline.

Labcorp Genetics (formerly Invitae), Labcorp
Classification: Uncertain significance. Last evaluated: 2022-07-05. Review status: criteria provided, single submitter. Criteria: Invitae Variant Classification Sherloc (09022015). Collection method: clinical testing. Allele origin: germline.
Comment: This variant is present in population databases (rs761450924, gnomAD 0.02%). This sequence change replaces tyrosine, which is neutral and polar, with cysteine, which is neutral and slightly polar, at codon 1413 of the TRPM1 protein (p.Tyr1413Cys). This variant has not been reported in the literature in individuals affected with TRPM1-related conditions. ClinVar contains an entry for this variant (Variation ID: 1026461). Algorithms developed to predict the effect of missense changes on protein structure and function output the following: SIFT: "Deleterious"; PolyPhen-2: "Benign"; Align-GVGD: "Class C0". The cysteine amino acid residue is found in multiple mammalian species, which suggests that this missense change does not adversely affect protein function. In summary, the available evidence is currently insufficient to determine the role of this variant in disease. Therefore, it has been classified as a Variant of Uncertain Significance.

NM_001252024.2(TRPM1):c.4304A>G (p.Tyr1435Cys)

Gene: TRPM1 (transient receptor potential cation channel subfamily M member 1; minus strand). Cytogenetic location: 15q13.3.
Variant type: single nucleotide variant.
Coding change: c.4304A>G on transcript NM_001252024.2 (MANE Select); coding-DNA position 4304, A replaced by G.
Protein change: p.Tyr1435Cys; replaces tyrosine 1435 with cysteine.
Molecular consequence: missense variant.
Genome position (GRCh38, 1-based): chr15:31,002,396, T>C on the plus strand (A>G on the coding strand, the complement: TRPM1 is on the minus strand). VCF-style: chr15-31002396-T-C. GRCh37 (hg19) VCF-style: chr15-31294599-T-C.
Other names: c.4355A>G, p.Tyr1452Cys (NM_001252020.2); c.4238A>G, p.Tyr1413Cys (NM_002420.6); c.4238A>G (NM_002420.4); short protein forms Y1413C, Y1435C, Y1452C.
Identifiers: ClinVar variation 1026461 (VCV001026461.9), dbSNP rs761450924, ClinGen allele CA7451671.
Genomic context (GRCh38, chr15:31,002,396, plus strand): 5'-TTACAAGCATTGATCGTTTCATCGGGGAAATAGCGTGTAATTTTGGTTTCTTCCAGGGGA[T>C]AGGAAATAGTGCCTTCTATATTTGTCGTTTCCACTGTTAGCTGAGTGTTTTGAACATCTG-3'
Protein context (NP_001238953.1, residues 1425-1445): ETTNIEGTIS[Tyr1435Cys]PLEETKITRY